The following is an entry in ClinVar:

ClinVar aggregate classification (germline): Benign. Review status: criteria provided, multiple submitters, no conflicts (2 of 4 stars). 5 submissions from 5 submitters: Benign (5). Last evaluated 2026-01-19.

Allele frequency attached by ClinVar (database versions not stated): gnomAD exomes 0.00291 and 0.00749; ExAC 0.00929; gnomAD 0.02869 and 0.03080; ESP Exome Variant Server 0.03022; TOPMed 0.03198; 1000 Genomes Project 0.03215; 1000 Genomes Project 30x 0.03373.
gnomAD v4.1: 8,794 of 1,592,074 alleles (0.55%); highest among the groups gnomAD compares: African/African-American, 9.8%; 401 homozygotes.

Submissions (5):

Labcorp Genetics (formerly Invitae), Labcorp
Classification: Benign. Last evaluated: 2026-01-19. Review status: criteria provided, single submitter. Criteria: Invitae Variant Classification Sherloc (09022015). Collection method: clinical testing. Allele origin: germline.

Athena Diagnostics
Classification: Benign. Last evaluated: 2018-05-23. Review status: criteria provided, single submitter. Criteria: Athena Diagnostics Criteria. Collection method: clinical testing. Allele origin: germline.

GeneDx
Classification: Benign. Last evaluated: 2017-10-09. Review status: criteria provided, single submitter. Criteria: GeneDx Variant Classification (06012015). Collection method: clinical testing. Allele origin: germline. Affected: yes.
Comment: This variant is considered likely benign or benign based on one or more of the following criteria: it is a conservative change, it occurs at a poorly conserved position in the protein, it is predicted to be benign by multiple in silico algorithms, and/or has population frequency not consistent with disease.

Laboratory for Molecular Medicine, Mass General Brigham Personalized Medicine
Classification: Benign. Last evaluated: 2014-11-24. Review status: criteria provided, single submitter. Criteria: LMM Criteria. Collection method: clinical testing. Allele origin: germline. Observed: 27 variant alleles.
Comment: Pro2278Ser in exon 57 of OTOGL: This variant is not expected to have clinical si gnificance because it has been identified in 8.8% (387/4406) of African American chromosomes from a broad population by the NHLBI Exome Sequencing Project (dbSNP rs35010860).

Breakthrough Genomics
Classification: Benign. Review status: criteria provided, single submitter. Criteria: ACMG Guidelines, 2015. Collection method: not provided. Allele origin: germline. Inheritance: Autosomal recessive inheritance. Affected: yes.

NM_001378609.3(OTOGL):c.6859C>T (p.Pro2287Ser)

Gene: OTOGL (otogelin like; plus strand). Cytogenetic location: 12q21.31.
Variant type: single nucleotide variant.
Coding change: c.6859C>T on transcript NM_001378609.3 (MANE Select); coding-DNA position 6859, C replaced by T.
Protein change: p.Pro2287Ser; replaces proline 2287 with serine.
Molecular consequence: missense variant.
Genome position (GRCh38, 1-based): chr12:80,377,200, C>T. VCF-style: chr12-80377200-C-T. GRCh37 (hg19) VCF-style: chr12-80770980-C-T.
Other names: c.6724C>T, p.Pro2242Ser (NM_001368062.3); c.6859C>T, p.Pro2287Ser (NM_001378610.3, NM_173591.7); short protein forms P2278S, P2242S, P2287S.
Identifiers: ClinVar variation 226975 (VCV000226975.17), dbSNP rs35010860, ClinGen allele CA6702175.